The following is an entry in ClinVar:

NM_001197104.2(KMT2A):c.4857T>G (p.Ser1619Arg)

Gene: KMT2A (lysine methyltransferase 2A; plus strand). Cytogenetic location: 11q23.3.
Variant type: single nucleotide variant.
Coding change: c.4857T>G on transcript NM_001197104.2 (MANE Select); coding-DNA position 4857, T replaced by G.
Protein change: p.Ser1619Arg; replaces serine 1619 with arginine.
Molecular consequence: missense variant.
Genome position (GRCh38, 1-based): chr11:118,491,781, T>G. VCF-style: chr11-118491781-T-G. GRCh37 (hg19) VCF-style: chr11-118362496-T-G.
Other names: c.4947T>G, p.Ser1649Arg (NM_001412597.1); c.4848T>G, p.Ser1616Arg (NM_005933.4); short protein forms S1616R, S1619R, S1649R.
Identifiers: ClinVar variation 3061213 (VCV003061213.2), dbSNP rs2496921945, ClinGen allele CA382834643.

ClinVar aggregate classification (germline): Uncertain significance (0 of 4 stars; one submission).

Conditions:
KMT2A-related disorder. Also called: KMT2A-related condition.

Submission:

PreventionGenetics, part of Exact Sciences
Classification: Uncertain significance for KMT2A-related condition. Last evaluated: 2024-02-19. Review status: no assertion criteria provided. Collection method: clinical testing. Allele origin: germline.
Comment: The KMT2A c.4857T>G variant is predicted to result in the amino acid substitution p.Ser1619Arg. To our knowledge, this variant has not been reported in the literature or in a large population database, indicating this variant is rare. At this time, the clinical significance of this variant is uncertain due to the absence of conclusive functional and genetic evidence.